The following is an entry in ClinVar:

ClinVar aggregate classification (germline): Uncertain significance (0 of 4 stars; one submission).

Conditions:
FOXF1-related disorder. Also called: FOXF1-related condition.

Allele frequency attached by ClinVar (database versions not stated): gnomAD exomes 0.00001; gnomAD 0.00002; TOPMed 0.00002; ExAC 0.00003.
gnomAD v4.1: 15 of 1,599,482 alleles (0.00094%); highest among the groups gnomAD compares: Middle Eastern, 0.033%; no homozygotes.

Submission:

PreventionGenetics, part of Exact Sciences
Classification: Uncertain significance for FOXF1-related condition. Last evaluated: 2023-12-27. Review status: no assertion criteria provided. Collection method: clinical testing. Allele origin: germline.
Comment: The FOXF1 c.578G>C variant is predicted to result in the amino acid substitution p.Gly193Ala. To our knowledge, this variant has not been reported in the literature. This variant is reported in 0.0030% of alleles in individuals of European (Non-Finnish) descent in gnomAD. Although we suspect that this variant may be benign, at this time, the clinical significance of this variant is uncertain due to the absence of conclusive functional and genetic evidence.

NM_001451.3(FOXF1):c.578G>C (p.Gly193Ala)

Gene: FOXF1 (forkhead box F1; plus strand). Cytogenetic location: 16q24.1.
Variant type: single nucleotide variant.
Coding change: c.578G>C on transcript NM_001451.3 (MANE Select); coding-DNA position 578, G replaced by C.
Protein change: p.Gly193Ala; replaces glycine 193 with alanine.
Molecular consequence: missense variant.
Genome position (GRCh38, 1-based): chr16:86,511,147, G>C. VCF-style: chr16-86511147-G-C. GRCh37 (hg19) VCF-style: chr16-86544753-G-C.
Other names: short protein forms G193A.
Identifiers: ClinVar variation 3036954 (VCV003036954.2), dbSNP rs752242009, ClinGen allele CA8217421.